The following is an entry in ClinVar:

ClinVar aggregate classification (germline): Uncertain significance. Review status: criteria provided, multiple submitters, no conflicts (2 of 4 stars). 2 submissions from 2 submitters: Uncertain significance (2). Last evaluated 2024-07-19.

Conditions:
Frontotemporal dementia and/or amyotrophic lateral sclerosis 4. Also called: FTDALS4. Identifiers: Orphanet 275872, MedGen C4225325, MONDO:0014641, OMIM 616439.

gnomAD v4.1: 23 of 1,614,000 alleles (0.0014%); highest among the groups gnomAD compares: African/African-American, 0.016%; no homozygotes.

Submissions (2):

Blueprint Genetics
Classification: Uncertain significance. Last evaluated: 2024-07-19. Review status: criteria provided, single submitter. Criteria: ACMG Guidelines, 2015. Collection method: clinical testing. Allele origin: germline.

Labcorp Genetics (formerly Invitae), Labcorp
Classification: Uncertain significance for Frontotemporal dementia and/or amyotrophic lateral sclerosis 4. Last evaluated: 2024-06-03. Review status: criteria provided, single submitter. Criteria: Invitae Variant Classification Sherloc (09022015). Collection method: clinical testing. Allele origin: germline.
Comment: This sequence change replaces aspartic acid, which is acidic and polar, with asparagine, which is neutral and polar, at codon 523 of the TBK1 protein (p.Asp523Asn). This variant is present in population databases (rs139195702, gnomAD 0.03%). This variant has not been reported in the literature in individuals affected with TBK1-related conditions. Advanced modeling of protein sequence and biophysical properties (such as structural, functional, and spatial information, amino acid conservation, physicochemical variation, residue mobility, and thermodynamic stability) performed at Invitae indicates that this missense variant is not expected to disrupt TBK1 protein function with a negative predictive value of 95%. In summary, the available evidence is currently insufficient to determine the role of this variant in disease. Therefore, it has been classified as a Variant of Uncertain Significance.

NM_013254.4(TBK1):c.1567G>A (p.Asp523Asn)

Gene: TBK1 (TANK binding kinase 1; plus strand). Cytogenetic location: 12q14.2.
Variant type: single nucleotide variant.
Coding change: c.1567G>A on transcript NM_013254.4 (MANE Select); coding-DNA position 1567, G replaced by A.
Protein change: p.Asp523Asn; replaces aspartic acid 523 with asparagine.
Molecular consequence: missense variant.
Genome position (GRCh38, 1-based): chr12:64,495,528, G>A. VCF-style: chr12-64495528-G-A. GRCh37 (hg19) VCF-style: chr12-64889308-G-A.
Other names: short protein forms D523N.
Identifiers: ClinVar variation 3638542 (VCV003638542.3).